The following is an entry in ClinVar:

NM_001365902.3(NFIX):c.1451G>C (p.Gly484Ala)

Gene: NFIX (nuclear factor I X; plus strand). Cytogenetic location: 19p13.13.
Variant type: single nucleotide variant.
Coding change: c.1451G>C on transcript NM_001365902.3 (MANE Select); coding-DNA position 1451, G replaced by C.
Protein change: p.Gly484Ala; replaces glycine 484 with alanine.
Molecular consequence: missense variant.
Genome position (GRCh38, 1-based): chr19:13,090,347, G>C. VCF-style: chr19-13090347-G-C. GRCh37 (hg19) VCF-style: chr19-13201161-G-C.
Other names: c.1475G>C, p.Gly492Ala (NM_001271043.2); c.1279G>C, p.Asp427His (NM_001271044.3); c.1180G>C, p.Asp394His (NM_001365982.2); c.1162G>C, p.Asp388His (NM_001365983.2); c.1448G>C, p.Gly483Ala (NM_001365984.2); c.1300G>C, p.Asp434His (NM_001365985.2); c.1427G>C, p.Gly476Ala (NM_001378404.1); c.1499G>C, p.Gly500Ala (NM_001378405.1); and 3 more; short protein forms D386H, D388H, G500A, D435H, G492A, D394H, G483A, G484A.
Identifiers: ClinVar variation 4995611 (VCV004995611.1).

ClinVar aggregate classification (germline): Uncertain significance (1 of 4 stars; one submission).

Conditions:
NFIX-related disorder. Also called: NFIX-related condition.

Submission:

PreventionGenetics, part of Exact Sciences
Classification: Uncertain significance for NFIX-related condition. Last evaluated: 2026-06-23. Review status: criteria provided, single submitter. Criteria: ACMG Guidelines, 2015. Collection method: clinical testing. Allele origin: germline.
Comment: The NFIX c.1303G>C variant is predicted to result in the amino acid substitution p.Asp435His. To our knowledge, this variant has not been reported in the literature or in a large population database (gnomAD), indicating this variant is rare. At this time, the clinical significance of this variant is uncertain due to the absence of conclusive functional and genetic evidence.